The following is an entry in ClinVar:

NM_012471.3(TRPC5):c.1179T>G (p.Leu393=)

Gene: TRPC5 (transient receptor potential cation channel subfamily C member 5; minus strand). Cytogenetic location: Xq23.
Variant type: single nucleotide variant.
Coding change: c.1179T>G on transcript NM_012471.3 (MANE Select); coding-DNA position 1179, T replaced by G.
Protein change: p.Leu393=; no amino-acid change (leucine 393 retained).
Molecular consequence: synonymous variant.
Genome position (GRCh38, 1-based): chrX:111,853,828, A>C on the plus strand (T>G on the coding strand, the complement: TRPC5 is on the minus strand). VCF-style: chrX-111853828-A-C. GRCh37 (hg19) VCF-style: chrX-111097056-A-C.
Identifiers: ClinVar variation 4981268 (VCV004981268.1).

ClinVar aggregate classification (germline): Likely benign (1 of 4 stars; one submission).

Conditions:
TRPC5-related disorder. Also called: TRPC5-related condition.

gnomAD v4.1: 81 of 1,210,457 alleles (0.0067%); highest among the groups gnomAD compares: Middle Eastern, 0.046%; no homozygotes.

Submission:

PreventionGenetics, part of Exact Sciences
Classification: Likely benign for TRPC5-related condition. Last evaluated: 2024-10-14. Review status: criteria provided, single submitter. Criteria: ACMG Guidelines, 2015. Collection method: clinical testing. Allele origin: germline.
Comment: This variant is classified as likely benign based on ACMG/AMP sequence variant interpretation guidelines (Richards et al. 2015 PMID: 25741868, with internal and published modifications).